The following is an entry in ClinVar:

NM_000075.4(CDK4):c.503A>G (p.Gln168Arg)

Gene: CDK4 (cyclin dependent kinase 4; minus strand). Cytogenetic location: 12q14.1.
Variant type: single nucleotide variant.
Coding change: c.503A>G on transcript NM_000075.4 (MANE Select); coding-DNA position 503, A replaced by G.
Protein change: p.Gln168Arg; replaces glutamine 168 with arginine.
Molecular consequence: missense variant.
Genome position (GRCh38, 1-based): chr12:57,750,942, T>C on the plus strand (A>G on the coding strand, the complement: CDK4 is on the minus strand). VCF-style: chr12-57750942-T-C. GRCh37 (hg19) VCF-style: chr12-58144725-T-C.
Other names: short protein forms Q168R.
Identifiers: ClinVar variation 3722300 (VCV003722300.2).

ClinVar aggregate classification (germline): Uncertain significance (1 of 4 stars; one submission).

Conditions:
Familial melanoma. Also called: Hereditary melanoma; Hereditary cutaneous melanoma. Identifiers: Orphanet 618, MedGen C1512419, MONDO:0018961.

Submission:

Labcorp Genetics (formerly Invitae), Labcorp
Classification: Uncertain significance for Familial melanoma. Last evaluated: 2024-10-06. Review status: criteria provided, single submitter. Criteria: Invitae Variant Classification Sherloc (09022015). Collection method: clinical testing. Allele origin: germline.
Comment: This sequence change replaces glutamine, which is neutral and polar, with arginine, which is basic and polar, at codon 168 of the CDK4 protein (p.Gln168Arg). This variant is not present in population databases (gnomAD no frequency). This variant has not been reported in the literature in individuals affected with CDK4-related conditions. An algorithm developed to predict the effect of missense changes on protein structure and function (PolyPhen-2) suggests that this variant is likely to be tolerated. In summary, the available evidence is currently insufficient to determine the role of this variant in disease. Therefore, it has been classified as a Variant of Uncertain Significance.